The following is an entry in ClinVar:

NM_000268.4(NF2):c.764C>T (p.Ser255Phe)

Gene: NF2 (NF2, moesin-ezrin-radixin like (MERLIN) tumor suppressor; plus strand). Cytogenetic location: 22q12.2.
Variant type: single nucleotide variant.
Coding change: c.764C>T on transcript NM_000268.4 (MANE Select); coding-DNA position 764, C replaced by T.
Protein change: p.Ser255Phe; replaces serine 255 with phenylalanine.
Molecular consequence: missense variant. On other transcripts: non-coding transcript variant (1), intron variant (4).
Genome position (GRCh38, 1-based): chr22:29,661,293, C>T. VCF-style: chr22-29661293-C-T. GRCh37 (hg19) VCF-style: chr22-30057282-C-T.
Other names: c.650C>T, p.Ser217Phe (NM_001407053.1, NM_001407056.1); c.641C>T, p.Ser214Phe (NM_001407054.1, NM_001407058.1, NM_181829.3); c.638C>T, p.Ser213Phe (NM_001407055.1, NM_181828.3); c.764C>T, p.Ser255Phe (NM_001407060.1, NM_001407066.1, NM_016418.5 and 2 more transcripts); c.515C>T, p.Ser172Phe (NM_001407063.1, NM_001407064.1, NM_181830.3 and 1 more transcripts); c.230C>T, p.Ser77Phe (NM_001407065.1); c.533C>T, p.Ser178Phe (NM_001407067.1); c.675+3029C>T (NM_001407059.1, NM_001407057.1); and 2 more; short protein forms S172F, S178F, S213F, S214F, S217F, S255F, S77F.
Identifiers: ClinVar variation 4756339 (VCV004756339.2).

ClinVar aggregate classification (germline): Uncertain significance. Review status: criteria provided, multiple submitters, no conflicts (2 of 4 stars). 2 submissions from 2 submitters: Uncertain significance (2). Last evaluated 2026-06-16.

Conditions:
Neurofibromatosis, type 2 (SWNV). Also called: BILATERAL ACOUSTIC NEUROFIBROMATOSIS; SCHWANNOMATOSIS, VESTIBULAR; NF2-Related Schwannomatosis. Identifiers: Orphanet 637, MedGen C0027832, MONDO:0007039, OMIM 101000. Disease mechanism: loss of function.
Hereditary cancer-predisposing syndrome. Also called: Hereditary Cancer Syndrome; Hereditary neoplastic syndrome; Neoplastic Syndromes, Hereditary; Tumor predisposition. Identifiers: Orphanet 140162, MedGen C0027672, MeSH D009386, MONDO:0015356.

Submissions (2):

Ambry Genetics
Classification: Uncertain significance for Hereditary cancer-predisposing syndrome. Last evaluated: 2026-06-16. Review status: criteria provided, single submitter. Criteria: Ambry Variant Classification Scheme 2023. Collection method: clinical testing. Allele origin: germline.
Comment: The p.S255F variant (also known as c.764C>T), located in coding exon 8 of the NF2 gene, results from a C to T substitution at nucleotide position 764. The serine at codon 255 is replaced by phenylalanine, an amino acid with highly dissimilar properties. This amino acid position is conserved. In addition, this alteration is predicted to be deleterious by in silico analysis. Based on the available evidence, the clinical significance of this variant remains unclear.

Color Diagnostics, LLC DBA Color Health
Classification: Uncertain significance for Neurofibromatosis, type 2. Last evaluated: 2025-09-22. Review status: criteria provided, single submitter. Criteria: ACMG Guidelines, 2015. Collection method: clinical testing. Allele origin: germline.
Comment: This missense variant replaces serine with phenylalanine at codon 255 of the NF2 protein. Computational prediction suggests that this variant may have deleterious impact on protein structure and function. To our knowledge, functional studies have not been reported for this variant. This variant has not been reported in individuals affected with NF2-related disorders in the literature. This variant has not been identified in the general population by the Genome Aggregation Database (gnomAD). The available evidence is insufficient to determine the role of this variant in disease conclusively. Therefore, this variant is classified as a Variant of Uncertain Significance.